The following is an entry in ClinVar:

ClinVar aggregate classification (germline): Uncertain significance (1 of 4 stars; one submission).

Allele frequency attached by ClinVar (database versions not stated): gnomAD exomes below 0.00001.

Submission:

GeneDx
Classification: Uncertain significance. Last evaluated: 2020-01-02. Review status: criteria provided, single submitter. Criteria: GeneDx Variant Classification Process June 2021. Collection method: clinical testing. Allele origin: germline. Affected: yes.
Comment: In silico analysis, which includes protein predictors and evolutionary conservation, supports that this variant does not alter protein structure/function; Has not been previously published as pathogenic or benign to our knowledge

NM_004380.3(CREBBP):c.6399G>A (p.Met2133Ile)

Gene: CREBBP (CREB binding protein; minus strand). Cytogenetic location: 16p13.3.
Variant type: single nucleotide variant.
Coding change: c.6399G>A on transcript NM_004380.3 (MANE Select); coding-DNA position 6399, G replaced by A.
Protein change: p.Met2133Ile; replaces methionine 2133 with isoleucine.
Molecular consequence: missense variant.
Genome position (GRCh38, 1-based): chr16:3,728,648, C>T on the plus strand (G>A on the coding strand, the complement: CREBBP is on the minus strand). VCF-style: chr16-3728648-C-T. GRCh37 (hg19) VCF-style: chr16-3778649-C-T.
Other names: c.6285G>A, p.Met2095Ile (NM_001079846.1); short protein forms M2095I, M2133I.
Identifiers: ClinVar variation 1310594 (VCV001310594.2), dbSNP rs1462453767, ClinGen allele CA394553477.
Genomic context (GRCh38, chr16:3,728,648, plus strand): 5'-ACCGGGCCGCGGCACGCCAGCCTGCATGGCATTCAGGTTCTGCAGGCTGGGCTGCTGGTG[C>T]ATGCCAGGCTGGGGTTGCATGCCGGGCTGGGACTGGAGGCCAGGCTGGGGCTGCATGCCG-3'
Protein context (NP_004371.2, residues 2123-2143): SQPGMQPQPG[Met2133Ile]HQQPSLQNLN